The following is an entry in ClinVar:

NM_001039591.3(USP9X):c.4796T>C (p.Met1599Thr)

Gene: USP9X (ubiquitin specific peptidase 9 X-linked; plus strand). Cytogenetic location: Xp11.4.
Variant type: single nucleotide variant.
Coding change: c.4796T>C on transcript NM_001039591.3 (MANE Select); coding-DNA position 4796, T replaced by C.
Protein change: p.Met1599Thr; replaces methionine 1599 with threonine.
Molecular consequence: missense variant.
Genome position (GRCh38, 1-based): chrX:41,201,252, T>C. VCF-style: chrX-41201252-T-C. GRCh37 (hg19) VCF-style: chrX-41060505-T-C.
Other names: c.4796T>C, p.Met1599Thr (NM_001039590.3); short protein forms M1599T.
Identifiers: ClinVar variation 1321281 (VCV001321281.4), dbSNP rs2147202009, ClinGen allele CA412779702.
Genomic context (GRCh38, chrX:41,201,252, plus strand): 5'-CTTCCATTAGGAACGGTATTCTTGCCATTGAAGGCACAGGTAGTGATGTAGATGATGATA[T>C]GTCTGGGGATGAGAAGCAGGACAATGAGGTAAATTTGAGTTACCATTTCTGTTTTCTGTG-3'
Protein context (NP_001034680.2, residues 1589-1609): EGTGSDVDDD[Met1599Thr]SGDEKQDNES

ClinVar aggregate classification (germline): Uncertain significance. Review status: criteria provided, multiple submitters, no conflicts (2 of 4 stars). 2 submissions from 2 submitters: Uncertain significance (2). Last evaluated 2024-04-16.

Conditions:
Intellectual developmental disorder, X-linked 99, syndromic, female-restricted. Also called: Intellectual disability, X-linked 99, syndromic, female-restricted. Identifiers: MedGen C4225416, MONDO:0010502, OMIM 300968.

Allele frequency attached by ClinVar (database versions not stated): gnomAD exomes below 0.00001.

Submissions (2):

Labcorp Genetics (formerly Invitae), Labcorp
Classification: Uncertain significance. Last evaluated: 2024-04-16. Review status: criteria provided, single submitter. Criteria: Invitae Variant Classification Sherloc (09022015). Collection method: clinical testing. Allele origin: germline.
Comment: This sequence change replaces methionine, which is neutral and non-polar, with threonine, which is neutral and polar, at codon 1599 of the USP9X protein (p.Met1599Thr). This variant is not present in population databases (gnomAD no frequency). This variant has not been reported in the literature in individuals affected with USP9X-related conditions. ClinVar contains an entry for this variant (Variation ID: 1321281). An algorithm developed to predict the effect of missense changes on protein structure and function (PolyPhen-2) suggests that this variant is likely to be tolerated. In summary, the available evidence is currently insufficient to determine the role of this variant in disease. Therefore, it has been classified as a Variant of Uncertain Significance.

3billion
Classification: Uncertain significance for Intellectual developmental disorder, X-linked 99, syndromic, female-restricted. Last evaluated: 2021-10-25. Review status: criteria provided, single submitter. Criteria: ACMG Guidelines, 2015. Collection method: clinical testing. Allele origin: unknown. Affected: yes. Observed: 1 heterozygote.
Comment: This varant is not observed in the gnomAD v2.1.1 dataset (PM2). In silico tool predictions suggest damaging effect of the variant on gene or gene product (3Cnet: 0.89, PP3). Therefore, this variant is classified as uncertain significance according to the recommendation of ACMG/AMP guideline.